The following is an entry in ClinVar:

ClinVar aggregate classification (germline): Uncertain significance. Review status: criteria provided, multiple submitters, no conflicts (2 of 4 stars). 2 submissions from 2 submitters: Uncertain significance (2). Last evaluated 2025-11-03.

Conditions:
Hereditary cancer-predisposing syndrome. Also called: Tumor predisposition; Hereditary Cancer Syndrome; Hereditary neoplastic syndrome; Neoplastic Syndromes, Hereditary. Identifiers: Orphanet 140162, MedGen C0027672, MeSH D009386, MONDO:0015356.
Hereditary nonpolyposis colorectal neoplasms. Identifiers: MedGen C0009405, MeSH D003123.

gnomAD v4.1: 1 of 1,614,120 alleles (0.000062%); highest among the groups gnomAD compares: Admixed American, 0.0017%; no homozygotes.

Submissions (2):

Ambry Genetics
Classification: Uncertain significance for Hereditary cancer-predisposing syndrome. Last evaluated: 2025-11-03. Review status: criteria provided, single submitter. Criteria: Ambry Variant Classification Scheme 2023. Collection method: clinical testing. Allele origin: germline.
Comment: The p.P1161T variant (also known as c.3481C>A), located in coding exon 6 of the MSH6 gene, results from a C to A substitution at nucleotide position 3481. The proline at codon 1161 is replaced by threonine, an amino acid with highly similar properties. This amino acid position is highly conserved in available vertebrate species. In addition, this alteration is predicted to be deleterious by in silico analysis. Based on the available evidence, the clinical significance of this variant remains unclear.

Labcorp Genetics (formerly Invitae), Labcorp
Classification: Uncertain significance for Hereditary nonpolyposis colorectal neoplasms. Last evaluated: 2025-09-24. Review status: criteria provided, single submitter. Criteria: Invitae Variant Classification Sherloc (09022015). Collection method: clinical testing. Allele origin: germline.
Comment: This sequence change replaces proline, which is neutral and non-polar, with threonine, which is neutral and polar, at codon 1161 of the MSH6 protein (p.Pro1161Thr). This variant is not present in population databases (gnomAD no frequency). This variant has not been reported in the literature in individuals affected with MSH6-related conditions. ClinVar contains an entry for this variant (Variation ID: 486888). Invitae Evidence Modeling of protein sequence and biophysical properties (such as structural, functional, and spatial information, amino acid conservation, physicochemical variation, residue mobility, and thermodynamic stability) indicates that this missense variant is expected to disrupt MSH6 protein function with a positive predictive value of 95%. In summary, the available evidence is currently insufficient to determine the role of this variant in disease. Therefore, it has been classified as a Variant of Uncertain Significance.

NM_000179.3(MSH6):c.3481C>A (p.Pro1161Thr)

Gene: MSH6 (mutS homolog 6; plus strand). Cytogenetic location: 2p16.3.
Variant type: single nucleotide variant.
Coding change: c.3481C>A on transcript NM_000179.3 (MANE Select); coding-DNA position 3481, C replaced by A.
Protein change: p.Pro1161Thr; replaces proline 1161 with threonine.
Molecular consequence: missense variant.
Genome position (GRCh38, 1-based): chr2:47,804,952, C>A. VCF-style: chr2-47804952-C-A. GRCh37 (hg19) VCF-style: chr2-48032091-C-A.
Other names: c.3091C>A, p.Pro1031Thr (NM_001281492.2); c.2575C>A, p.Pro859Thr (NM_001281493.2, NM_001281494.2); short protein forms P1161T, P859T, P1031T.
Identifiers: ClinVar variation 486888 (VCV000486888.15), dbSNP rs751190199, ClinGen allele CA346760133.
Genomic context (GRCh38, chr2:47,804,952, plus strand): 5'-TTCCTCCCTCATTCACAGGCTGGCTTATTAGCTGTAATGGCCCAGATGGGTTGTTACGTC[C>A]CTGCTGAAGTGTGCAGGCTCACACCAATTGATAGAGTGTTTACTAGACTTGGTGCCTCAG-3'
Protein context (NP_000170.1, residues 1151-1171): AVMAQMGCYV[Pro1161Thr]AEVCRLTPID